The following is an entry in ClinVar:

NM_003590.5(CUL3):c.16A>G (p.Lys6Glu)

Genes: CUL3 (cullin 3; minus strand), LOC129935709 (ATAC-STARR-seq lymphoblastoid silent region 12382; plus strand). Cytogenetic location: 2q36.2.
Variant type: single nucleotide variant.
Coding change: c.16A>G on transcript NM_003590.5 (MANE Select); coding-DNA position 16, A replaced by G.
Protein change: p.Lys6Glu; replaces lysine 6 with glutamic acid.
Molecular consequence: missense variant.
Genome position (GRCh38, 1-based): chr2:224,584,994, T>C on the plus strand (A>G on the coding strand, the complement: CUL3 is on the minus strand). VCF-style: chr2-224584994-T-C. GRCh37 (hg19) VCF-style: chr2-225449711-T-C.
Other names: c.16A>G, p.Lys6Glu (NM_001257197.2); c.16A>G (NM_003590.4); short protein forms K6E.
Identifiers: ClinVar variation 3585727 (VCV003585727.2).

ClinVar aggregate classification (germline): Uncertain significance. Review status: criteria provided, multiple submitters, no conflicts (2 of 4 stars). 2 submissions from 2 submitters: Uncertain significance (2). Last evaluated 2025-06-20.

Conditions:
Pseudohypoaldosteronism type 2E (PHA2E). Also called: Pseudohypoaldosteronism Type IIE. Identifiers: Orphanet 300530, Orphanet 757, MedGen C3469606, MONDO:0013782, OMIM 614496.
Neurodevelopmental disorder with or without autism or seizures (NEDAUS). Identifiers: MedGen C5543225, MONDO:0030994, OMIM 619239.

Submissions (2):

GeneDx
Classification: Uncertain significance. Last evaluated: 2025-06-20. Review status: criteria provided, single submitter. Criteria: GeneDx Variant Classification Process June 2021. Collection method: clinical testing. Allele origin: germline. Affected: yes.
Comment: Not observed at significant frequency in large population cohorts (gnomAD); In silico analysis suggests that this missense variant does not alter protein structure/function; Has not been previously published as pathogenic or benign to our knowledge

Fulgent Genetics
Classification: Uncertain significance for Pseudohypoaldosteronism type 2E; Neurodevelopmental disorder with or without autism or seizures. Last evaluated: 2024-03-18. Review status: criteria provided, single submitter. Criteria: ACMG Guidelines, 2015. Collection method: clinical testing. Allele origin: germline.